The following is an entry in ClinVar:

NM_001366110.1(PAX4):c.14-6G>A

Gene: PAX4 (paired box 4; minus strand). Cytogenetic location: 7q32.1.
Variant type: single nucleotide variant.
Coding change: c.14-6G>A on transcript NM_001366110.1 (MANE Select); 6 bases into the intron before coding-DNA position 14, G replaced by A.
Molecular consequence: intron variant.
Genome position (GRCh38, 1-based): chr7:127,615,537, C>T on the plus strand (G>A on the coding strand, the complement: PAX4 is on the minus strand). VCF-style: chr7-127615537-C-T. GRCh37 (hg19) VCF-style: chr7-127255591-C-T.
Other names: c.14-6G>A (NM_001366111.1).
Identifiers: ClinVar variation 4987935 (VCV004987935.1).

ClinVar aggregate classification (germline): Likely benign (1 of 4 stars; one submission).

Conditions:
PAX4-related disorder. Also called: PAX4-related condition.

gnomAD v4.1: 13 of 1,613,636 alleles (0.00081%); highest among the groups gnomAD compares: African/African-American, 0.0053%; no homozygotes.

Submission:

PreventionGenetics, part of Exact Sciences
Classification: Likely benign for PAX4-related condition. Last evaluated: 2025-02-14. Review status: criteria provided, single submitter. Criteria: ACMG Guidelines, 2015. Collection method: clinical testing. Allele origin: germline.
Comment: This variant is classified as likely benign based on ACMG/AMP sequence variant interpretation guidelines (Richards et al. 2015 PMID: 25741868, with internal and published modifications).